The following is an entry in ClinVar:

ClinVar aggregate classification (germline): Benign. Review status: criteria provided, multiple submitters, no conflicts (2 of 4 stars). 4 submissions from 4 submitters: Benign (3). 1 of the submissions does not count toward it. Last evaluated 2026-02-02.

Conditions:
GPAA1-related disorder. Also called: GPAA1-related condition.

Allele frequency attached by ClinVar (database versions not stated): gnomAD 0.00736; 1000 Genomes Project 30x 0.01109; 1000 Genomes Project 0.01138; TOPMed 0.00700; ESP Exome Variant Server 0.00708.

Submissions (4):

Labcorp Genetics (formerly Invitae), Labcorp
Classification: Benign. Last evaluated: 2026-02-02. Review status: criteria provided, single submitter. Criteria: Invitae Variant Classification Sherloc (09022015). Collection method: clinical testing. Allele origin: germline.

Mayo Clinic Laboratories, Mayo Clinic
Classification: Benign. Last evaluated: 2022-12-22. Review status: criteria provided, single submitter. Criteria: ACMG Guidelines, 2015. Collection method: clinical testing. Allele origin: germline. Observed: 3 variant alleles.
Comment: BS1, BS2, BP4

Breakthrough Genomics
Classification: Benign. Review status: criteria provided, single submitter. Criteria: ACMG Guidelines, 2015. Collection method: not provided. Allele origin: germline. Inheritance: Autosomal recessive inheritance. Affected: yes.

PreventionGenetics, part of Exact Sciences
Classification: Benign for GPAA1-related condition. Last evaluated: 2019-07-29. Review status: no assertion criteria provided. Collection method: clinical testing. Allele origin: germline. Not counted in ClinVar's aggregate classification.
Comment: This variant is classified as benign based on ACMG/AMP sequence variant interpretation guidelines (Richards et al. 2015 PMID: 25741868, with internal and published modifications).

NM_003801.4(GPAA1):c.823G>C (p.Glu275Gln)

Gene: GPAA1 (glycosylphosphatidylinositol anchor attachment 1; plus strand). Cytogenetic location: 8q24.3.
Variant type: single nucleotide variant.
Coding change: c.823G>C on transcript NM_003801.4 (MANE Select); coding-DNA position 823, G replaced by C.
Protein change: p.Glu275Gln; replaces glutamic acid 275 with glutamine.
Molecular consequence: missense variant.
Genome position (GRCh38, 1-based): chr8:144,084,422, G>C. VCF-style: chr8-144084422-G-C. GRCh37 (hg19) VCF-style: chr8-145139325-G-C.
Other names: p.Glu275Gln; short protein forms E275Q.
Identifiers: ClinVar variation 776395 (VCV000776395.14), dbSNP rs112703109, ClinGen allele CA4932946.